The following is an entry in ClinVar:

NM_198578.4(LRRK2):c.2500+4A>C

Gene: LRRK2 (leucine rich repeat kinase 2; plus strand). Cytogenetic location: 12q12.
Variant type: single nucleotide variant.
Coding change: c.2500+4A>C on transcript NM_198578.4 (MANE Select); 4 bases into the intron after coding-DNA position 2500, A replaced by C.
Molecular consequence: intron variant.
Genome position (GRCh38, 1-based): chr12:40,284,137, A>C. VCF-style: chr12-40284137-A-C. GRCh37 (hg19) VCF-style: chr12-40677939-A-C.
Identifiers: ClinVar variation 3652911 (VCV003652911.1).

ClinVar aggregate classification (germline): Uncertain significance (1 of 4 stars; one submission).

Conditions:
Autosomal dominant Parkinson disease 8. Also called: LRRK2-Related Parkinson Disease; Parkinson disease 8; Parkinson disease 8, susceptibility to. Identifiers: Orphanet 411602, MedGen C1846862, MONDO:0011764, OMIM 607060.

Submission:

Labcorp Genetics (formerly Invitae), Labcorp
Classification: Uncertain significance for Autosomal dominant Parkinson disease 8. Last evaluated: 2024-05-10. Review status: criteria provided, single submitter. Criteria: Invitae Variant Classification Sherloc (09022015). Collection method: clinical testing. Allele origin: germline.
Comment: This sequence change falls in intron 19 of the LRRK2 gene. It does not directly change the encoded amino acid sequence of the LRRK2 protein. It affects a nucleotide within the consensus splice site. This variant is not present in population databases (gnomAD no frequency). This variant has not been reported in the literature in individuals affected with LRRK2-related conditions. Variants that disrupt the consensus splice site are a relatively common cause of aberrant splicing (PMID: 17576681, 9536098). Algorithms developed to predict the effect of sequence changes on RNA splicing suggest that this variant is not likely to affect RNA splicing. In summary, the available evidence is currently insufficient to determine the role of this variant in disease. Therefore, it has been classified as a Variant of Uncertain Significance.

Literature cited by the submitters: PubMed 17576681; PubMed 9536098.